The following is an entry in ClinVar:

NM_000548.5(TSC2):c.3027C>A (p.Ala1009=)

Gene: TSC2 (TSC complex subunit 2; plus strand). Cytogenetic location: 16p13.3.
Variant type: single nucleotide variant.
Coding change: c.3027C>A on transcript NM_000548.5 (MANE Select); coding-DNA position 3027, C replaced by A.
Protein change: p.Ala1009=; no amino-acid change (alanine 1009 retained).
Molecular consequence: synonymous variant.
Genome position (GRCh38, 1-based): chr16:2,079,092, C>A. VCF-style: chr16-2079092-C-A. GRCh37 (hg19) VCF-style: chr16-2129093-C-A.
Other names: c.2895C>A, p.Ala965= (NM_001077183.3, NM_001370404.1); c.3027C>A, p.Ala1009= (NM_001114382.3); c.2787C>A, p.Ala929= (NM_001318827.2); c.2751C>A, p.Ala917= (NM_001318829.2); c.2295C>A, p.Ala765= (NM_001318831.2); c.2928C>A, p.Ala976= (NM_001318832.2); c.2898C>A, p.Ala966= (NM_001363528.2, NM_001370405.1, NM_021055.3).
Identifiers: ClinVar variation 1552029 (VCV001552029.9), dbSNP rs1320888448, ClinGen allele CA493042726.
Genomic context (GRCh38, chr16:2,079,092, plus strand): 5'-CAGGATACAGACGTCCCTCACCAGTGCCAGCTTGGGGTCTGCAGATGAGAACTCCGTGGC[C>A]CAGGCTGACGATAGCCTGAAAAACCTCCACCTGGAGCTCACGGAAACCTGTCTGGACATG-3'
Protein context (NP_000539.2, residues 999-1019): SLGSADENSV[Ala1009=]QADDSLKNLH

ClinVar aggregate classification (germline): Benign/Likely benign. Review status: criteria provided, multiple submitters, no conflicts (2 of 4 stars). 2 submissions from 2 submitters: Benign (1); Likely benign (1). Last evaluated 2025-05-27.

Conditions:
Tuberous sclerosis 2 (TSC2). Identifiers: Orphanet 805, MedGen C1860707, MONDO:0013199, OMIM 613254.

Allele frequency attached by ClinVar (database versions not stated): gnomAD 0.00001.
gnomAD v4.1: 1 of 1,612,906 alleles (0.000062%); highest among the groups gnomAD compares: Non-Finnish European, 0.000085%; no homozygotes.

Submissions (2):

Myriad Genetics, Inc.
Classification: Benign for Tuberous sclerosis 2. Last evaluated: 2025-05-27. Review status: criteria provided, single submitter. Criteria: Myriad Autosomal Dominant, Autosomal Recessive and X-Linked Classification Criteria (2023). Collection method: clinical testing. Allele origin: unknown.
Comment: This variant is considered benign. This variant is a silent/synonymous amino acid change and it is not expected to impact splicing.

Labcorp Genetics (formerly Invitae), Labcorp
Classification: Likely benign for Tuberous sclerosis 2. Last evaluated: 2024-06-30. Review status: criteria provided, single submitter. Criteria: Invitae Variant Classification Sherloc (09022015). Collection method: clinical testing. Allele origin: germline.